The following is an entry in ClinVar:

ClinVar aggregate classification (germline): Uncertain significance. Review status: criteria provided, multiple submitters, no conflicts (2 of 4 stars). 2 submissions from 2 submitters: Uncertain significance (2). Last evaluated 2025-11-03.

Conditions:
Hereditary cancer-predisposing syndrome. Also called: Neoplastic Syndromes, Hereditary; Tumor predisposition; Hereditary Cancer Syndrome; Hereditary neoplastic syndrome. Identifiers: Orphanet 140162, MedGen C0027672, MeSH D009386, MONDO:0015356.

Submissions (2):

Labcorp Genetics (formerly Invitae), Labcorp
Classification: Uncertain significance. Last evaluated: 2025-11-03. Review status: criteria provided, single submitter. Criteria: Invitae Variant Classification Sherloc (09022015). Collection method: clinical testing. Allele origin: germline.
Comment: This sequence change replaces valine, which is neutral and non-polar, with alanine, which is neutral and non-polar, at codon 252 of the CTNNA1 protein (p.Val252Ala). This variant is not present in population databases (gnomAD no frequency). This variant has not been reported in the literature in individuals affected with CTNNA1-related conditions. ClinVar contains an entry for this variant (Variation ID: 648791). Invitae Evidence Modeling of protein sequence and biophysical properties (such as structural, functional, and spatial information, amino acid conservation, physicochemical variation, residue mobility, and thermodynamic stability) indicates that this missense variant is not expected to disrupt CTNNA1 protein function with a negative predictive value of 80%. In summary, the available evidence is currently insufficient to determine the role of this variant in disease. Therefore, it has been classified as a Variant of Uncertain Significance.

Ambry Genetics
Classification: Uncertain significance for Hereditary cancer-predisposing syndrome. Last evaluated: 2022-12-23. Review status: criteria provided, single submitter. Criteria: Ambry Variant Classification Scheme 2023. Collection method: clinical testing. Allele origin: germline.
Comment: The p.V252A variant (also known as c.755T>C), located in coding exon 5 of the CTNNA1 gene, results from a T to C substitution at nucleotide position 755. The valine at codon 252 is replaced by alanine, an amino acid with similar properties. This amino acid position is well conserved in available vertebrate species. In addition, the in silico prediction for this alteration is inconclusive. The evidence for this gene-disease relationship is limited; therefore, the clinical significance of this alteration is unclear.

NM_001903.5(CTNNA1):c.755T>C (p.Val252Ala)

Gene: CTNNA1 (catenin alpha 1; plus strand). Cytogenetic location: 5q31.2.
Variant type: single nucleotide variant.
Coding change: c.755T>C on transcript NM_001903.5 (MANE Select); coding-DNA position 755, T replaced by C.
Protein change: p.Val252Ala; replaces valine 252 with alanine.
Molecular consequence: missense variant.
Genome position (GRCh38, 1-based): chr5:138,824,696, T>C. VCF-style: chr5-138824696-T-C. GRCh37 (hg19) VCF-style: chr5-138160385-T-C.
Other names: c.755T>C, p.Val252Ala (NM_001290307.3, NM_001323982.2, NM_001323983.1 and 3 more transcripts); c.446T>C, p.Val149Ala (NM_001290309.3); c.386T>C, p.Val129Ala (NM_001290310.3); c.755T>C (NM_001903.2); short protein forms V129A, V149A, V252A.
Identifiers: ClinVar variation 648791 (VCV000648791.10), dbSNP rs1581167912, ClinGen allele CA361129941.